The following is an entry in ClinVar:

ClinVar aggregate classification (germline): Uncertain significance. Review status: criteria provided, multiple submitters, no conflicts (2 of 4 stars). 3 submissions from 3 submitters: Uncertain significance (3). Last evaluated 2024-09-26.

Conditions:
Hereditary spastic paraplegia 31. Also called: SPASTIC PARAPLEGIA 31, AUTOSOMAL DOMINANT. Identifiers: Orphanet 101011, MedGen C1853247, MONDO:0012453, OMIM 610250.

Submissions (3):

GeneDx
Classification: Uncertain significance. Last evaluated: 2024-09-26. Review status: criteria provided, single submitter. Criteria: GeneDx Variant Classification Process June 2021. Collection method: clinical testing. Allele origin: germline. Affected: yes.
Comment: Not observed at significant frequency in large population cohorts (gnomAD); In silico analysis supports that this missense variant has a deleterious effect on protein structure/function; Has not been previously published as pathogenic or benign to our knowledge

Labcorp Genetics (formerly Invitae), Labcorp
Classification: Uncertain significance for Hereditary spastic paraplegia 31. Last evaluated: 2023-04-09. Review status: criteria provided, single submitter. Criteria: Invitae Variant Classification Sherloc (09022015). Collection method: clinical testing. Allele origin: germline.
Comment: In summary, the available evidence is currently insufficient to determine the role of this variant in disease. Therefore, it has been classified as a Variant of Uncertain Significance. An algorithm developed to predict the effect of missense changes on protein structure and function (PolyPhen-2) suggests that this variant is likely to be disruptive. ClinVar contains an entry for this variant (Variation ID: 1163416). This variant has not been reported in the literature in individuals affected with REEP1-related conditions. This variant is not present in population databases (gnomAD no frequency). This sequence change replaces leucine, which is neutral and non-polar, with proline, which is neutral and non-polar, at codon 68 of the REEP1 protein (p.Leu68Pro).

Mayo Clinic Laboratories, Mayo Clinic
Classification: Uncertain significance. Last evaluated: 2021-02-04. Review status: criteria provided, single submitter. Criteria: ACMG Guidelines, 2015. Collection method: clinical testing. Allele origin: germline. Observed: 1 variant allele.

NM_001371279.1(REEP1):c.203T>C (p.Leu68Pro)

Gene: REEP1 (receptor accessory protein 1; minus strand). Cytogenetic location: 2p11.2.
Variant type: single nucleotide variant.
Coding change: c.203T>C on transcript NM_001371279.1 (MANE Select); coding-DNA position 203, T replaced by C.
Protein change: p.Leu68Pro; replaces leucine 68 with proline.
Molecular consequence: missense variant. On other transcripts: intron variant (1).
Genome position (GRCh38, 1-based): chr2:86,254,794, A>G on the plus strand (T>C on the coding strand, the complement: REEP1 is on the minus strand). VCF-style: chr2-86254794-A-G. GRCh37 (hg19) VCF-style: chr2-86481917-A-G.
Other names: c.224T>C, p.Leu75Pro (NM_001164730.2); c.122T>C, p.Leu41Pro (NM_001164731.2); c.203T>C, p.Leu68Pro (NM_001371280.1, NM_022912.3); c.182+9171T>C (NM_001164732.2); short protein forms L41P, L68P, L75P.
Identifiers: ClinVar variation 1163416 (VCV001163416.11), dbSNP rs2104244891, ClinGen allele CA347717585.